The following is an entry in ClinVar:

ClinVar aggregate classification (germline): Uncertain significance (1 of 4 stars; one submission).

Submission:

Women's Health and Genetics/Laboratory Corporation of America, LabCorp
Classification: Uncertain significance. Last evaluated: 2024-07-17. Review status: criteria provided, single submitter. Criteria: LabCorp Variant Classification Summary - May 2015. Collection method: clinical testing. Allele origin: germline.
Comment: Variant summary: KLHL3 c.1322-3C>T alters a conserved nucleotide located close to a canonical splice site and therefore could affect mRNA splicing, leading to a significantly altered protein sequence. Consensus agreement among computation tools predict no significant impact on normal splicing. However, these predictions have yet to be confirmed by functional studies. The variant was absent in 243980 control chromosomes. The available data on variant occurrences in the general population are insufficient to allow any conclusion about variant significance. To our knowledge, no occurrence of c.1322-3C>T in individuals affected with Pseudohypoaldosteronism Type 2D and no experimental evidence demonstrating its impact on protein function have been reported. No submitters have cited clinical-significance assessments for this variant to ClinVar. Based on the evidence outlined above, the variant was classified as uncertain significance.

NM_017415.3(KLHL3):c.1322-3C>T

Gene: KLHL3 (kelch like family member 3; minus strand). Cytogenetic location: 5q31.2.
Variant type: single nucleotide variant.
Coding change: c.1322-3C>T on transcript NM_017415.3 (MANE Select); 3 bases into the intron before coding-DNA position 1322, C replaced by T.
Molecular consequence: intron variant.
Genome position (GRCh38, 1-based): chr5:137,634,168, G>A on the plus strand (C>T on the coding strand, the complement: KLHL3 is on the minus strand). VCF-style: chr5-137634168-G-A. GRCh37 (hg19) VCF-style: chr5-136969857-G-A.
Other names: c.1226-3C>T (NM_001257194.1); c.1076-3C>T (NM_001257195.2).
Identifiers: ClinVar variation 3339479 (VCV003339479.1).